The following is an entry in ClinVar:

ClinVar aggregate classification (germline): Uncertain significance (1 of 4 stars; one submission).

Conditions:
MHC class I deficiency. Identifiers: Orphanet 34592, MedGen C6024714, MONDO:0011476.

Allele frequency attached by ClinVar (database versions not stated): gnomAD exomes 0.00001.
gnomAD v4.1: 18 of 1,612,986 alleles (0.0011%); highest among the groups gnomAD compares: Non-Finnish European, 0.0014%; no homozygotes.

Submission:

Labcorp Genetics (formerly Invitae), Labcorp
Classification: Uncertain significance for MHC class I deficiency 1. Last evaluated: 2019-07-23. Review status: criteria provided, single submitter. Criteria: Invitae Variant Classification Sherloc (09022015). Collection method: clinical testing. Allele origin: germline.
Comment: In summary, the available evidence is currently insufficient to determine the role of this variant in disease. Therefore, it has been classified as a Variant of Uncertain Significance. Algorithms developed to predict the effect of missense changes on protein structure and function output the following: SIFT: "Tolerated"; PolyPhen-2: "Benign"; Align-GVGD: "Class C0". The threonine amino acid residue is found in multiple mammalian species, suggesting that this missense change does not adversely affect protein function. These predictions have not been confirmed by published functional studies and their clinical significance is uncertain. This variant has not been reported in the literature in individuals with TAP1-related conditions. This variant is not present in population databases (ExAC no frequency). This sequence change replaces methionine with threonine at codon 345 of the TAP1 protein (p.Met345Thr). The methionine residue is weakly conserved and there is a moderate physicochemical difference between methionine and threonine.

NM_000593.6(TAP1):c.854T>C (p.Met285Thr)

Gene: TAP1 (transporter 1, ATP binding cassette subfamily B member; minus strand). Cytogenetic location: 6p21.32.
Variant type: single nucleotide variant.
Coding change: c.854T>C on transcript NM_000593.6 (MANE Select); coding-DNA position 854, T replaced by C.
Protein change: p.Met285Thr; replaces methionine 285 with threonine.
Molecular consequence: missense variant.
Genome position (GRCh38, 1-based): chr6:32,851,140, A>G on the plus strand (T>C on the coding strand, the complement: TAP1 is on the minus strand). VCF-style: chr6-32851140-A-G. GRCh37 (hg19) VCF-style: chr6-32818917-A-G.
Other names: c.251T>C, p.Met84Thr (NM_001292022.2); short protein forms M285T, M84T.
Identifiers: ClinVar variation 954588 (VCV000954588.9), dbSNP rs1396910813, ClinGen allele CA363593250.